The following is an entry in ClinVar:

NM_001174147.2(LMX1B):c.130dup (p.Val44fs)

Gene: LMX1B (LIM homeobox transcription factor 1 beta; plus strand). Cytogenetic location: 9q33.3.
Variant type: Duplication.
Coding change: c.130dup on transcript NM_001174147.2 (MANE Select); coding-DNA position 130, one base duplicated (G; older notation c.130dupG).
Protein change: p.Val44fs; shifts the reading frame from valine 44.
Molecular consequence: frameshift variant.
Genome position (GRCh38, 1-based): chr9:126,614,579, G duplicated; the last of 5 consecutive G bases (chr9:126,614,575-126,614,579); duplicating any one gives the same sequence. VCF-style (leftmost placement, unchanged base first): chr9-126614574-T-TG. GRCh37 (hg19) VCF-style: chr9-129376853-T-TG.
Other names: c.130dup, p.Val44fs (NM_001174146.2, NM_002316.4); short protein forms V44fs.
Identifiers: ClinVar variation 2129728 (VCV002129728.4), dbSNP rs2490513173, ClinGen allele CA2580079536.
Genomic context (GRCh38, chr9:126,614,574, plus strand): 5'-CCAAGATGTTGGACGGCATCAAGATGGAGGAGCACGCCCTGCGCCCCGGGCCCGCCACTC[T>TG]GGGGGTGCTGCTGGGTGAGTGCGGGGTCGGAACGCCCGAGTGGTCTCGGGCGTGGGATGG-3'

ClinVar aggregate classification (germline): Pathogenic (1 of 4 stars; one submission).

Submission:

Labcorp Genetics (formerly Invitae), Labcorp
Classification: Pathogenic. Last evaluated: 2023-04-17. Review status: criteria provided, single submitter. Criteria: Invitae Variant Classification Sherloc (09022015). Collection method: clinical testing. Allele origin: germline.
Comment: This variant has not been reported in the literature in individuals affected with LMX1B-related conditions. For these reasons, this variant has been classified as Pathogenic. ClinVar contains an entry for this variant (Variation ID: 2129728). This variant is not present in population databases (gnomAD no frequency). This sequence change creates a premature translational stop signal (p.Val44Glyfs*104) in the LMX1B gene. It is expected to result in an absent or disrupted protein product. Loss-of-function variants in LMX1B are known to be pathogenic (PMID: 9590287, 15498463).

Literature cited by the submitters: PubMed 9590287; PubMed 15498463.